The following is an entry in ClinVar:

NM_012064.4(MIP):c.554C>T (p.Pro185Leu)

Gene: MIP (major intrinsic protein of lens fiber; minus strand). Cytogenetic location: 12q13.3.
Variant type: single nucleotide variant.
Coding change: c.554C>T on transcript NM_012064.4 (MANE Select); coding-DNA position 554, C replaced by T.
Protein change: p.Pro185Leu; replaces proline 185 with leucine.
Molecular consequence: missense variant.
Genome position (GRCh38, 1-based): chr12:56,453,124, G>A on the plus strand (C>T on the coding strand, the complement: MIP is on the minus strand). VCF-style: chr12-56453124-G-A. GRCh37 (hg19) VCF-style: chr12-56846908-G-A.
Other names: short protein forms P185L.
Identifiers: ClinVar variation 4993911 (VCV004993911.1).

ClinVar aggregate classification (germline): Uncertain significance (1 of 4 stars; one submission).

Conditions:
MIP-related disorder. Also called: MIP-related condition.

Submission:

PreventionGenetics, part of Exact Sciences
Classification: Uncertain significance for MIP-related condition. Last evaluated: 2026-05-17. Review status: criteria provided, single submitter. Criteria: ACMG Guidelines, 2015. Collection method: clinical testing. Allele origin: germline.
Comment: The MIP c.554C>T variant is predicted to result in the amino acid substitution p.Pro185Leu. To our knowledge, this variant has not been reported in the literature or in a large population database (gnomAD), indicating this variant is rare. At this time, the clinical significance of this variant is uncertain due to the absence of conclusive functional and genetic evidence.